The following is an entry in ClinVar:

NM_000243.3(MEFV):c.330G>A (p.Leu110=)

Gene: MEFV (MEFV innate immunity regulator, pyrin; minus strand). Cytogenetic location: 16p13.3.
Variant type: single nucleotide variant.
Coding change: c.330G>A on transcript NM_000243.3 (MANE Select); coding-DNA position 330, G replaced by A.
Protein change: p.Leu110=; no amino-acid change (leucine 110 retained).
Molecular consequence: synonymous variant. On other transcripts: intron variant (1).
Genome position (GRCh38, 1-based): chr16:3,254,738, C>T on the plus strand (G>A on the coding strand, the complement: MEFV is on the minus strand). VCF-style: chr16-3254738-C-T. GRCh37 (hg19) VCF-style: chr16-3304738-C-T.
Other names: c.277+1573G>A (NM_001198536.2).
Identifiers: ClinVar variation 97516 (VCV000097516.10), dbSNP rs104895177, ClinGen allele CA280585.

ClinVar aggregate classification (germline): Conflicting classifications of pathogenicity. Review status: criteria provided, conflicting classifications (1 of 4 stars). 4 submissions from 4 submitters: Uncertain significance (1); Likely benign (2). 1 of the submissions does not count toward it. Last evaluated 2025-11-13.

Conditions:
Familial Mediterranean fever (FMF). Also called: POLYSEROSITIS, FAMILIAL PAROXYSMAL; POLYSEROSITIS, RECURRENT; Periodic peritonitis; Benign paroxysmal peritonitis. Identifiers: Orphanet 342, MedGen C0031069, MONDO:0018088, OMIM 249100. Disease mechanism: gain of function.

Allele frequency attached by ClinVar (database versions not stated): gnomAD exomes below 0.00001; TOPMed below 0.00001.

Submissions (4):

Labcorp Genetics (formerly Invitae), Labcorp
Classification: Likely benign for Familial Mediterranean fever. Last evaluated: 2025-11-13. Review status: criteria provided, single submitter. Criteria: Invitae Variant Classification Sherloc (09022015). Collection method: clinical testing. Allele origin: germline.

Women's Health and Genetics/Laboratory Corporation of America, LabCorp
Classification: Likely benign. Last evaluated: 2020-03-09. Review status: criteria provided, single submitter. Criteria: LabCorp Variant Classification Summary - May 2015. Collection method: clinical testing. Allele origin: germline.

Illumina Laboratory Services, Illumina
Classification: Uncertain significance for Familial Mediterranean fever. Last evaluated: 2017-04-28. Review status: criteria provided, single submitter. Criteria: ICSL Variant Classification Criteria 13 December 2019. Collection method: clinical testing. Allele origin: germline.
Comment: This variant was observed as part of a predisposition screen in an ostensibly healthy population. A literature search was performed for the gene, cDNA change, and amino acid change (where applicable). Publications were found based on this search. However, the evidence from the literature, in combination with allele frequency data from public databases where available, was not sufficient to rule this variant in or out of causing disease. Therefore, this variant is classified as a variant of unknown significance.

Unité médicale des maladies autoinflammatoires, CHRU Montpellier
No classification provided. Condition: Familial Mediterranean fever. Review status: no classification provided. Collection method: not provided. Allele origin: unknown. Not counted in ClinVar's aggregate classification.

Literature cited by the submitters: PubMed 19262573 (cited by Illumina Laboratory Services, Illumina).